The following is an entry in ClinVar:

NM_000222.3(KIT):c.2466T>A (p.Asn822Lys)

Gene: KIT (KIT proto-oncogene, receptor tyrosine kinase; plus strand). Cytogenetic location: 4q12.
Variant type: single nucleotide variant.
Coding change: c.2466T>A on transcript NM_000222.3 (MANE Select); coding-DNA position 2466, T replaced by A.
Protein change: p.Asn822Lys; replaces asparagine 822 with lysine.
Molecular consequence: missense variant.
Genome position (GRCh38, 1-based): chr4:54,733,174, T>A. VCF-style: chr4-54733174-T-A. GRCh37 (hg19) VCF-style: chr4-55599340-T-A.
Other names: c.2454T>A, p.Asn818Lys (NM_001093772.2, NM_001385292.1); c.2469T>A, p.Asn823Lys (NM_001385284.1); c.2463T>A, p.Asn821Lys (NM_001385285.1); c.2451T>A, p.Asn817Lys (NM_001385286.1); c.2457T>A, p.Asn819Lys (NM_001385288.1); c.2466T>A, p.Asn822Lys (NM_001385290.1); short protein forms N822K, N818K, N817K, N819K, N821K, N823K.
Identifiers: ClinVar variation 375931 (VCV000375931.9), dbSNP rs121913514, ClinGen allele CA16602411.
Genomic context (GRCh38, chr4:54,733,174, plus strand): 5'-TGGTCGGATCACAAAGATTTGTGATTTTGGTCTAGCCAGAGACATCAAGAATGATTCTAA[T>A]TATGTGGTTAAAGGAAACGTGAGTACCCATTCTCTGCTTGACAGTCCTGCAAAGGATTTT-3'
Protein context (NP_000213.1, residues 812-832): GLARDIKNDS[Asn822Lys]YVVKGNARLP

ClinVar aggregate classification (germline): Conflicting classifications of pathogenicity. Review status: criteria provided, conflicting classifications (1 of 4 stars). 3 submissions from 3 submitters: Pathogenic (1); Uncertain significance (2). Last evaluated 2026-01-30.

Conditions:
Hereditary cancer-predisposing syndrome. Also called: Neoplastic Syndromes, Hereditary; Hereditary Cancer Syndrome; Hereditary neoplastic syndrome; Tumor predisposition. Identifiers: Orphanet 140162, MedGen C0027672, MeSH D009386, MONDO:0015356.
Gastrointestinal stromal tumor. Also called: Gastrointestinal stromal tumor, somatic; Gastrointestinal stroma tumor. Identifiers: Orphanet 44890, MedGen C0238198, MeSH D046152, MONDO:0011719, OMIM 606764, HP:0100723.

Submissions (3):

Ambry Genetics
Classification: Uncertain significance for Hereditary cancer-predisposing syndrome. Last evaluated: 2026-01-30. Review status: criteria provided, single submitter. Criteria: Ambry Variant Classification Scheme 2023. Collection method: clinical testing. Allele origin: germline.
Comment: The p.N822K variant (also known as c.2466T>A), located in coding exon 17 of the KIT gene, results from a T to A substitution at nucleotide position 2466. The asparagine at codon 822 is replaced by lysine, an amino acid with similar properties. This amino acid position is highly conserved in available vertebrate species. In addition, the in silico prediction for this alteration is inconclusive. Based on the available evidence, the clinical significance of this variant remains unclear.

Labcorp Genetics (formerly Invitae), Labcorp
Classification: Uncertain significance for Gastrointestinal stromal tumor. Last evaluated: 2018-06-01. Review status: criteria provided, single submitter. Criteria: Invitae Variant Classification Sherloc (09022015). Collection method: clinical testing. Allele origin: germline.
Comment: This sequence change replaces asparagine with lysine at codon 822 of the KIT protein (p.Asn822Lys). The asparagine residue is highly conserved and there is a moderate physicochemical difference between asparagine and lysine. This variant is not present in population databases (ExAC no frequency). This variant has not been reported as a germline variant in the literature in individuals with KIT-related disease. ClinVar contains an entry for this variant (Variation ID: 375931). Experimental studies have shown that this missense change results in constitutive phosphorylation of the KIT protein, increased cell proliferation in the presence of low concentration of growth factors, impaired apoptosis promotion, and resistance to low doses of imatinib (PMID:¬†14645423,¬†14695343, 17699867, 20890793,¬†28506695). In summary, the available evidence is currently insufficient to determine the role of this variant in disease. Therefore, it has been classified as a Variant of Uncertain Significance.

Clinical Genetics and Genomics, Karolinska University Hospital
Classification: Pathogenic. Last evaluated: 2017-03-07. Review status: criteria provided, single submitter. Criteria: ACMG Guidelines, 2015. Collection method: clinical testing. Allele origin: germline. Affected: yes. Observed: 1 variant allele.